The following is an entry in ClinVar:

ClinVar aggregate classification (germline): Conflicting classifications of pathogenicity. Review status: criteria provided, conflicting classifications (1 of 4 stars). 4 submissions from 4 submitters: Likely pathogenic (1); Uncertain significance (3). Last evaluated 2026-10-20.

Conditions:
Cardiovascular phenotype. Identifiers: MedGen CN230736.
Hereditary cancer-predisposing syndrome. Also called: Hereditary neoplastic syndrome; Neoplastic Syndromes, Hereditary; Tumor predisposition; Hereditary Cancer Syndrome. Identifiers: Orphanet 140162, MedGen C0027672, MeSH D009386, MONDO:0015356.
Neurofibromatosis, type 1 (NF1). Also called: Neurofibromatosis, type I; Peripheral type neurofibromatosis; VON RECKLINGHAUSEN DISEASE; NEUROFIBROMATOSIS, TYPE I, SOMATIC. Identifiers: Orphanet 636, MedGen C0027831, MONDO:0018975, OMIM 162200. Disease mechanism: loss of function.

Submissions (4):

GeneDx
Classification: Likely pathogenic. Last evaluated: 2026-10-20. Review status: criteria provided, single submitter. Criteria: GeneDx Variant Classification Process June 2021. Collection method: clinical testing. Allele origin: germline.
Comment: Not observed at significant frequency in large population cohorts (gnomAD); In silico analysis supports that this missense variant has a deleterious effect on protein structure/function; This variant is associated with the following publications: (PMID: 25486365, 35982159)

Ambry Genetics
Classification: Uncertain significance for Cardiovascular phenotype; Hereditary cancer-predisposing syndrome. Last evaluated: 2025-02-12. Review status: criteria provided, single submitter. Criteria: Ambry Variant Classification Scheme 2023. Collection method: clinical testing. Allele origin: germline.
Comment: The p.T2388I variant (also known as c.7163C>T), located in coding exon 48 of the NF1 gene, results from a C to T substitution at nucleotide position 7163. The threonine at codon 2388 is replaced by isoleucine, an amino acid with similar properties. This amino acid position is highly conserved in available vertebrate species. In addition, the in silico prediction for this alteration is inconclusive. Based on the available evidence, the clinical significance of this variant remains unclear.

Labcorp Genetics (formerly Invitae), Labcorp
Classification: Uncertain significance for Neurofibromatosis, type 1. Last evaluated: 2023-12-27. Review status: criteria provided, single submitter. Criteria: Invitae Variant Classification Sherloc (09022015). Collection method: clinical testing. Allele origin: germline.
Comment: This sequence change replaces threonine, which is neutral and polar, with isoleucine, which is neutral and non-polar, at codon 2388 of the NF1 protein (p.Thr2388Ile). This variant is not present in population databases (gnomAD no frequency). This variant has not been reported in the literature in individuals affected with NF1-related conditions. ClinVar contains an entry for this variant (Variation ID: 826875). Advanced modeling of protein sequence and biophysical properties (such as structural, functional, and spatial information, amino acid conservation, physicochemical variation, residue mobility, and thermodynamic stability) performed at Invitae indicates that this missense variant is expected to disrupt NF1 protein function with a positive predictive value of 95%. This variant disrupts the p.Thr2388 amino acid residue in NF1. Other variant(s) that disrupt this residue have been determined to be pathogenic (Invitae). This suggests that this residue is clinically significant, and that variants that disrupt this residue are likely to be disease-causing. In summary, the available evidence is currently insufficient to determine the role of this variant in disease. Therefore, it has been classified as a Variant of Uncertain Significance.

Genome-Nilou Lab
Classification: Uncertain significance for Neurofibromatosis, type 1. Last evaluated: 2022-03-15. Review status: criteria provided, single submitter. Criteria: ACMG Guidelines, 2015. Collection method: clinical testing. Allele origin: germline. Affected: no.

NM_001042492.3(NF1):c.7226C>T (p.Thr2409Ile)

Gene: NF1 (neurofibromin 1; plus strand). Cytogenetic location: 17q11.2.
Variant type: single nucleotide variant.
Coding change: c.7226C>T on transcript NM_001042492.3 (MANE Select); coding-DNA position 7226, C replaced by T.
Protein change: p.Thr2409Ile; replaces threonine 2409 with isoleucine.
Molecular consequence: missense variant.
Genome position (GRCh38, 1-based): chr17:31,349,156, C>T. VCF-style: chr17-31349156-C-T. GRCh37 (hg19) VCF-style: chr17-29676174-C-T.
Other names: c.7163C>T, p.Thr2388Ile (NM_000267.4); short protein forms T2388I, T2409I.
Identifiers: ClinVar variation 826875 (VCV000826875.15), dbSNP rs1597858415, ClinGen allele CA399016727.
Genomic context (GRCh38, chr17:31,349,156, plus strand): 5'-TGTTTGTTTGTTTGTTTTTTGTAGGGTACAGGCATCCTTCACCTGCTATTGTTGCAAGAA[C>T]AGTCAGAATTTTACATACACTACTAACTCTGGTTAACAAACACAGAAATTGTGACAAATT-3'
Protein context (NP_001035957.1, residues 2399-2419): RHPSPAIVAR[Thr2409Ile]VRILHTLLTL